The following is an entry in ClinVar:

ClinVar aggregate classification (germline): Benign (1 of 4 stars; one submission).

Allele frequency attached by ClinVar (database versions not stated): 1000 Genomes Project 0.80391; 1000 Genomes Project 30x 0.80528; TOPMed 0.85632; gnomAD 0.86939 and 0.87817.
gnomAD v4.1: 132,386 of 152,234 alleles (87%); highest among the groups gnomAD compares: African/African-American, 94%; 58,127 homozygotes.

Submission:

GeneDx
Classification: Benign. Last evaluated: 2018-06-14. Review status: criteria provided, single submitter. Criteria: GeneDx Variant Classification (06012015). Collection method: clinical testing. Allele origin: germline. Affected: yes.
Comment: This variant is considered likely benign or benign based on one or more of the following criteria: it is a conservative change, it occurs at a poorly conserved position in the protein, it is predicted to be benign by multiple in silico algorithms, and/or has population frequency not consistent with disease.

NM_001985.3(ETFB):c.438+295G>C

Gene: ETFB (electron transfer flavoprotein subunit beta; minus strand). Cytogenetic location: 19q13.41.
Variant type: single nucleotide variant.
Coding change: c.438+295G>C on transcript NM_001985.3 (MANE Select); 295 bases into the intron after coding-DNA position 438, G replaced by C.
Molecular consequence: intron variant.
Genome position (GRCh38, 1-based): chr19:51,350,034, C>G on the plus strand (G>C on the coding strand, the complement: ETFB is on the minus strand). VCF-style: chr19-51350034-C-G. GRCh37 (hg19) VCF-style: chr19-51853288-C-G.
Other names: c.711+295G>C (NM_001014763.1).
Identifiers: ClinVar variation 683849 (VCV000683849.1), dbSNP rs1974823, ClinGen allele CA14678236.